The following is an entry in ClinVar:

NM_001379291.1(BRD4):c.2808G>A (p.Gln936=)

Gene: BRD4 (bromodomain containing 4; minus strand). Cytogenetic location: 19p13.12.
Variant type: single nucleotide variant.
Coding change: c.2808G>A on transcript NM_001379291.1 (MANE Select); coding-DNA position 2808, G replaced by A.
Protein change: p.Gln936=; no amino-acid change (glutamine 936 retained).
Molecular consequence: synonymous variant.
Genome position (GRCh38, 1-based): chr19:15,243,261, C>T on the plus strand (G>A on the coding strand, the complement: BRD4 is on the minus strand). VCF-style: chr19-15243261-C-T. GRCh37 (hg19) VCF-style: chr19-15354072-C-T.
Other names: c.2808G>A, p.Gln936= (NM_058243.3).
Identifiers: ClinVar variation 3700242 (VCV003700242.2).

ClinVar aggregate classification (germline): Uncertain significance (1 of 4 stars; one submission).

gnomAD v4.1: 16 of 1,457,784 alleles (0.0011%); highest among the groups gnomAD compares: Admixed American, 0.0024%; no homozygotes.

Submission:

Labcorp Genetics (formerly Invitae), Labcorp
Classification: Uncertain significance. Last evaluated: 2025-11-06. Review status: criteria provided, single submitter. Criteria: Invitae Variant Classification Sherloc (09022015). Collection method: clinical testing. Allele origin: germline.
Comment: This sequence change affects codon 936 of the BRD4 mRNA. It is a 'silent' change, meaning that it does not change the encoded amino acid sequence of the BRD4 protein. This variant is not present in population databases (gnomAD no frequency). This variant has not been reported in the literature in individuals affected with BRD4-related conditions. ClinVar contains an entry for this variant (Variation ID: 3700242). Algorithms developed to predict the effect of sequence changes on RNA splicing suggest that this variant may create or strengthen a splice site. In summary, the available evidence is currently insufficient to determine the role of this variant in disease. Therefore, it has been classified as a Variant of Uncertain Significance.